The following is an entry in ClinVar:

ClinVar aggregate classification (germline): Conflicting classifications of pathogenicity. Review status: criteria provided, conflicting classifications (1 of 4 stars). 6 submissions from 6 submitters: Pathogenic (1); Likely pathogenic (4); Uncertain significance (1). Last evaluated 2026-01-21.

Conditions:
Joubert syndrome 9 (JBTS9). Identifiers: Orphanet 2318, MedGen C2676788, MONDO:0012849, OMIM 612285.
Joubert syndrome. Also called: JOUBERT-BOLTSHAUSER SYNDROME; Familial aplasia of the vermis. Identifiers: Orphanet 475, MedGen C5979921, MONDO:0018772.
Meckel-Gruber syndrome. Also called: DYSENCEPHALIA SPLANCHNOCYSTICA; GRUBER SYNDROME; Dysencephalia splachnocystica. Identifiers: Orphanet 564, MedGen C0265215, MONDO:0018921.
Joubert syndrome and related disorders. Identifiers: Orphanet 140874, MedGen C5679612, MONDO:0015369.
CC2D2A-related disorder. Also called: CC2D2A-related disorders; CC2D2A-related condition. Identifiers: MedGen CN239313.

Allele frequency attached by ClinVar (database versions not stated): gnomAD exomes below 0.00001 and 0.00001; ExAC 0.00002.
gnomAD v4.1: 2 of 1,609,052 alleles (0.00012%); highest among the groups gnomAD compares: Non-Finnish European, 0.00017%; no homozygotes.

Submissions (6):

3billion
Classification: Likely pathogenic for CC2D2A-related disorder. Last evaluated: 2026-01-21. Review status: criteria provided, single submitter. Criteria: ACMG Guidelines, 2015. Collection method: clinical testing. Allele origin: germline. Affected: yes.
Comment: The variant is observed at an extremely low frequency in the gnomAD v4.1.0 dataset (total allele frequency: <0.001%). Predicted Consequence/Location: Missense variant In silico tool predictions suggest damaging effect of the variant on gene or gene product [REVEL: 0.71 (>=0.6, sensitivity 0.68 and specificity 0.92); 3Cnet: 0.93 (> 0.75, sensitivity 0.96 and precision 0.92)]. The same nucleotide change resulting in the same amino acid change has been previously reported as pathogenic/likely pathogenic with strong evidence (ClinVar ID: VCV001285429 /PMID: 36319078). A different missense change at the same codon (p.Ala1596Gly) has been reported to be associated with CC2D2A-related disorder (PMID: 34234304). Therefore, this variant is classified as Likely pathogenic according to the recommendation of ACMG/AMP guideline.

Myriad Genetics, Inc.
Classification: Likely pathogenic for Joubert syndrome and related disorders. Last evaluated: 2025-11-21. Review status: criteria provided, single submitter. Criteria: Myriad Autosomal Dominant, Autosomal Recessive and X-Linked Classification Criteria (2023). Collection method: clinical testing. Allele origin: unknown.
Comment: NM_001080522.2(CC2D2A):c.4786G>A(A1596T) is a missense variant classified as likely pathogenic in the context of CC2D2A-related disorders. A1596T has been observed in cases with relevant disease (PMID: 40448720, 36319078). Relevant functional assessments of this variant are not available in the literature. A1596T has been observed in referenced population frequency databases. In summary, NM_001080522.2(CC2D2A):c.4786G>A(A1596T) is a missense variant that has been observed more frequently in cases with the relevant disease than in healthy populations. Please note: this variant was assessed in the context of healthy population screening.

Labcorp Genetics (formerly Invitae), Labcorp
Classification: Pathogenic for Joubert syndrome; Meckel-Gruber syndrome. Last evaluated: 2025-11-18. Review status: criteria provided, single submitter. Criteria: Invitae Variant Classification Sherloc (09022015). Collection method: clinical testing. Allele origin: germline.
Comment: This sequence change replaces alanine, which is neutral and non-polar, with threonine, which is neutral and polar, at codon 1596 of the CC2D2A protein (p.Ala1596Thr). This variant is present in population databases (rs780190318, gnomAD no frequency). This missense change has been observed in individual(s) with Joubert syndrome or clinical features of this condition (PMID: 36319078; internal data). In at least one individual the data is consistent with being in trans (on the opposite chromosome) from a pathogenic variant. ClinVar contains an entry for this variant (Variation ID: 1285429). Invitae Evidence Modeling of protein sequence and biophysical properties (such as structural, functional, and spatial information, amino acid conservation, physicochemical variation, residue mobility, and thermodynamic stability) indicates that this missense variant is expected to disrupt CC2D2A protein function with a positive predictive value of 80%. This variant disrupts the p.Ala1596 amino acid residue in CC2D2A. Other variant(s) that disrupt this residue have been determined to be pathogenic (PMID: 36319078; internal data). This suggests that this residue is clinically significant, and that variants that disrupt this residue are likely to be disease-causing. For these reasons, this variant has been classified as Pathogenic.

Institute of Human Genetics, University of Leipzig Medical Center
Classification: Likely pathogenic for Joubert syndrome 9. Last evaluated: 2020-10-27. Review status: criteria provided, single submitter. Criteria: ACMG Guidelines, 2015. Collection method: clinical testing. Allele origin: paternal. Affected: yes.
Comment: This variant was identified as compound heterozygous with NM_001080522.2:c.3289-1del.

Blueprint Genetics
Classification: Uncertain significance. Last evaluated: 2019-02-21. Review status: criteria provided, single submitter. Criteria: ACMG Guidelines, 2015. Collection method: clinical testing. Allele origin: germline.

Molecular Genetics Department, Kulakov National Medical Research Center for Obstetrics, Gynecology and Perinatology
Classification: Likely pathogenic for Joubert syndrome 9. Review status: criteria provided, single submitter. Criteria: ACMG Guidelines, 2015. Collection method: clinical testing. Allele origin: maternal. Affected: yes.
Comment: A previously undescribed nucleotide variant creates a missense p.Ala1596Thr in the CC2D2A gene. Homozygous and compound heterozygous variants are reported in patients with Joubert syndrome 9, 612285. The variant is present in gnomAD population database at low frequency (2/242606 chromosomes, no homozygotes). In summary, the currently available evidence indicates that the variant is pathogenic, but additional data are needed to prove that conclusively. Therefore, this variant has been classified as likely pathogenic.

Literature cited by the submitters: PubMed 36319078 (cited by 3 submitters); PubMed 34234304 (cited by 3billion); PubMed 40448720 (cited by Myriad Genetics, Inc.).

NM_001378615.1(CC2D2A):c.4786G>A (p.Ala1596Thr)

Genes: CC2D2A (coiled-coil and C2 domain containing 2A; plus strand), FBXL5 (F-box and leucine rich repeat protein 5; minus strand). Cytogenetic location: 4p15.32.
Variant type: single nucleotide variant.
Coding change: c.4786G>A on transcript NM_001378615.1 (MANE Select); coding-DNA position 4786, G replaced by A.
Protein change: p.Ala1596Thr; replaces alanine 1596 with threonine.
Molecular consequence: missense variant.
Genome position (GRCh38, 1-based): chr4:15,601,348, G>A. VCF-style: chr4-15601348-G-A. GRCh37 (hg19) VCF-style: chr4-15602971-G-A.
Other names: c.4786G>A, p.Ala1596Thr (NM_001080522.2); c.4639G>A, p.Ala1547Thr (NM_001378617.1); short protein forms A1547T, A1596T.
Identifiers: ClinVar variation 1285429 (VCV001285429.7), dbSNP rs780190318, ClinGen allele CA2864481.